The following is an entry in ClinVar:

ClinVar aggregate classification (germline): Uncertain significance (1 of 4 stars; one submission).

Conditions:
SCAPER-related disorder. Also called: SCAPER-related condition.

Submission:

PreventionGenetics, part of Exact Sciences
Classification: Uncertain significance for SCAPER-related condition. Last evaluated: 2026-08-28. Review status: criteria provided, single submitter. Criteria: ACMG Guidelines, 2015. Collection method: clinical testing. Allele origin: germline.
Comment: The SCAPER c.620C>T variant is predicted to result in the amino acid substitution p.Thr207Ile. To our knowledge, this variant has not been reported in the literature or in a large population database (gnomAD), indicating this variant is rare. At this time, the clinical significance of this variant is uncertain due to the absence of conclusive functional and genetic evidence.

NM_020843.4(SCAPER):c.620C>T (p.Thr207Ile)

Gene: SCAPER (S-phase cyclin A associated protein in the ER; minus strand). Cytogenetic location: 15q24.3.
Variant type: single nucleotide variant.
Coding change: c.620C>T on transcript NM_020843.4 (MANE Select); coding-DNA position 620, C replaced by T.
Protein change: p.Thr207Ile; replaces threonine 207 with isoleucine.
Molecular consequence: missense variant. On other transcripts: 5 prime UTR variant (1), non-coding transcript variant (1).
Genome position (GRCh38, 1-based): chr15:76,795,432, G>A on the plus strand (C>T on the coding strand, the complement: SCAPER is on the minus strand). VCF-style: chr15-76795432-G-A. GRCh37 (hg19) VCF-style: chr15-77087773-G-A.
Other names: c.-278C>T (NM_001145923.2); c.620C>T, p.Thr207Ile (NM_001353009.2); c.218C>T, p.Thr73Ile (NM_001353010.2, NM_001353011.2, NM_001353012.2); short protein forms T207I, T73I.
Identifiers: ClinVar variation 4991488 (VCV004991488.1).
Genomic context (GRCh38, chr15:76,795,432, plus strand): 5'-TTTACCTTGTCAGCCCAACTGACACCTGTGGGAGCCAGACGAGGAGCTGGCACTGTGCCA[G>A]TTGAACCTCTATGGAGAAAAATAAACACATTTAATAAATTAAATATAAAAGAAAAACTTC-3'
Protein context (NP_065894.2, residues 197-217): ARRSLNFGGS[Thr207Ile]GTVPAPRLAP